The following is an entry in ClinVar:

ClinVar aggregate classification (germline): Uncertain significance. Review status: criteria provided, multiple submitters, no conflicts (2 of 4 stars). 2 submissions from 2 submitters: Uncertain significance (2). Last evaluated 2025-08-29.

Conditions:
Epidermolysis bullosa simplex 5B, with muscular dystrophy (EBS5B). Also called: Epidermolysis bullosa simplex with muscular dystrophy; EPIDERMOLYSIS BULLOSA SIMPLEX AND LIMB-GIRDLE MUSCULAR DYSTROPHY. Identifiers: Orphanet 257, MedGen C2931072, MONDO:0009181, OMIM 226670.
Epidermolysis bullosa simplex, Ogna type (EBS5A). Also called: Pidermolysis bullosa simplex 5A, Ogna type; EPIDERMOLYSIS BULLOSA SIMPLEX 5A, OGNA TYPE. Identifiers: Orphanet 79401, MedGen C0432317, MONDO:0007555, OMIM 131950.
Autosomal recessive limb-girdle muscular dystrophy type 2Q (LGMDR17). Also called: MUSCULAR DYSTROPHY, LIMB-GIRDLE, AUTOSOMAL RECESSIVE 17. Identifiers: Orphanet 254361, MedGen C3150989, MONDO:0013390, OMIM 613723.
Epidermolysis bullosa simplex with nail dystrophy (EBS5D). Identifiers: MedGen C4225309, MONDO:0014661, OMIM 616487.
Epidermolysis bullosa simplex 5C, with pyloric atresia (EBS5C). Also called: Epidermolysis bullosa simplex with pyloric atresia; PLEC-Related Epidermolysis Bullosa with Pyloric Atresia; PLEC1-Related Epidermolysis Bullosa with Pyloric Atresia. Identifiers: Orphanet 158684, MedGen C2677349, MONDO:0012807, OMIM 612138.
Inborn genetic diseases. Identifiers: MedGen C0950123, MeSH D030342.

gnomAD v4.1: 11 of 1,598,310 alleles (0.00069%); highest among the groups gnomAD compares: Non-Finnish European, 0.00085%; no homozygotes.

Submissions (2):

Labcorp Genetics (formerly Invitae), Labcorp
Classification: Uncertain significance for Autosomal recessive limb-girdle muscular dystrophy type 2Q; Epidermolysis bullosa simplex, Ogna type; Epidermolysis bullosa simplex with nail dystrophy; Epidermolysis bullosa simplex 5C, with pyloric atresia; Epidermolysis bullosa simplex 5B, with muscular dystrophy. Last evaluated: 2025-08-29. Review status: criteria provided, single submitter. Criteria: Invitae Variant Classification Sherloc (09022015). Collection method: clinical testing. Allele origin: germline.
Comment: This sequence change replaces glutamine, which is neutral and polar, with arginine, which is basic and polar, at codon 1924 of the PLEC protein (p.Gln1924Arg). The frequency data for this variant in the population databases is considered unreliable, as metrics indicate poor data quality at this position in the gnomAD database. This variant has not been reported in the literature in individuals affected with PLEC-related conditions. ClinVar contains an entry for this variant (Variation ID: 3890154). Experimental studies and prediction algorithms are not available or were not evaluated, and the functional significance of this variant is currently unknown. In summary, the available evidence is currently insufficient to determine the role of this variant in disease. Therefore, it has been classified as a Variant of Uncertain Significance.

Ambry Genetics
Classification: Uncertain significance for Inborn genetic diseases. Last evaluated: 2025-02-01. Review status: criteria provided, single submitter. Criteria: Ambry Variant Classification Scheme 2023. Collection method: clinical testing. Allele origin: germline.

NM_201384.3(PLEC):c.5690A>G (p.Gln1897Arg)

Gene: PLEC (plectin; minus strand). Cytogenetic location: 8q24.3.
Variant type: single nucleotide variant.
Coding change: c.5690A>G on transcript NM_201384.3 (MANE Select); coding-DNA position 5690, A replaced by G.
Protein change: p.Gln1897Arg; replaces glutamine 1897 with arginine.
Molecular consequence: missense variant. On other transcripts: intron variant (1).
Genome position (GRCh38, 1-based): chr8:143,924,239, T>C on the plus strand (A>G on the coding strand, the complement: PLEC is on the minus strand). VCF-style: chr8-143924239-T-C. GRCh37 (hg19) VCF-style: chr8-144998407-T-C.
Other names: c.5594A>G, p.Gln1865Arg (NM_201381.3); c.5690A>G, p.Gln1897Arg (NM_201382.4); c.5702A>G, p.Gln1901Arg (NM_201383.3); c.4126-1844A>G (NM_001410941.1); c.5771A>G, p.Gln1924Arg (NM_000445.5); c.5648A>G, p.Gln1883Arg (NM_201378.4); c.5624A>G, p.Gln1875Arg (NM_201379.3); c.6101A>G, p.Gln2034Arg (NM_201380.4); short protein forms Q2034R, Q1865R, Q1875R, Q1883R, Q1897R, Q1901R, Q1924R.
Identifiers: ClinVar variation 3890154 (VCV003890154.2).
Genomic context (GRCh38, chr8:143,924,239, plus strand): 5'-AGCGTGTCCTCCACCAGCCCCTTCTGCCGCTCCAGCTCGCTGTCCGATGCCTTGCGCAGC[T>C]GGGCCAGGCGCTCCTCGATGTCAGCCTTGTGTTGCGCGGCCTGCTCCTCCAGCCGCCGCC-3'
Protein context (NP_958786.1, residues 1887-1907): HKADIEERLA[Gln1897Arg]LRKASDSELE